The following is an entry in ClinVar:

ClinVar aggregate classification (germline): Uncertain significance. Review status: criteria provided, multiple submitters, no conflicts (2 of 4 stars). 2 submissions from 2 submitters: Uncertain significance (2). Last evaluated 2024-12-12.

Allele frequency attached by ClinVar (database versions not stated): TOPMed 0.00001; ExAC 0.00002; gnomAD exomes 0.00002; gnomAD 0.00003.
gnomAD v4.1: 17 of 1,606,186 alleles (0.0011%); highest among the groups gnomAD compares: East Asian, 0.033%; no homozygotes.

Submissions (2):

Labcorp Genetics (formerly Invitae), Labcorp
Classification: Uncertain significance. Last evaluated: 2024-12-12. Review status: criteria provided, single submitter. Criteria: Invitae Variant Classification Sherloc (09022015). Collection method: clinical testing. Allele origin: germline.
Comment: This sequence change replaces serine, which is neutral and polar, with asparagine, which is neutral and polar, at codon 181 of the KANK2 protein (p.Ser181Asn). This variant is present in population databases (rs777963858, gnomAD 0.04%). This variant has not been reported in the literature in individuals affected with KANK2-related conditions. ClinVar contains an entry for this variant (Variation ID: 3112610). An algorithm developed to predict the effect of missense changes on protein structure and function (PolyPhen-2) suggests that this variant is likely to be tolerated. In summary, the available evidence is currently insufficient to determine the role of this variant in disease. Therefore, it has been classified as a Variant of Uncertain Significance.

Ambry Genetics
Classification: Uncertain significance. Last evaluated: 2023-10-10. Review status: criteria provided, single submitter. Criteria: Ambry Variant Classification Scheme 2023. Collection method: clinical testing. Allele origin: germline.

NM_001136191.3(KANK2):c.542G>A (p.Ser181Asn)

Gene: KANK2 (KN motif and ankyrin repeat domains 2; minus strand). Cytogenetic location: 19p13.2.
Variant type: single nucleotide variant.
Coding change: c.542G>A on transcript NM_001136191.3 (MANE Select); coding-DNA position 542, G replaced by A.
Protein change: p.Ser181Asn; replaces serine 181 with asparagine.
Molecular consequence: missense variant.
Genome position (GRCh38, 1-based): chr19:11,193,538, C>T on the plus strand (G>A on the coding strand, the complement: KANK2 is on the minus strand). VCF-style: chr19-11193538-C-T. GRCh37 (hg19) VCF-style: chr19-11304214-C-T.
Other names: c.542G>A, p.Ser181Asn (NM_001329451.2, NM_001379548.1, NM_001379549.1 and 15 more transcripts); short protein forms S181N.
Identifiers: ClinVar variation 3112610 (VCV003112610.3), dbSNP rs777963858, ClinGen allele CA9206033.